The following is an entry in ClinVar:

NM_002880.4(RAF1):c.641T>C (p.Met214Thr)

Gene: RAF1 (Raf-1 proto-oncogene, serine/threonine kinase; minus strand). Cytogenetic location: 3p25.2.
Variant type: single nucleotide variant.
Coding change: c.641T>C on transcript NM_002880.4 (MANE Select); coding-DNA position 641, T replaced by C.
Protein change: p.Met214Thr; replaces methionine 214 with threonine.
Molecular consequence: missense variant. On other transcripts: non-coding transcript variant (3), intron variant (2).
Genome position (GRCh38, 1-based): chr3:12,606,240, A>G on the plus strand (T>C on the coding strand, the complement: RAF1 is on the minus strand). VCF-style: chr3-12606240-A-G. GRCh37 (hg19) VCF-style: chr3-12647739-A-G.
Other names: c.641T>C, p.Met214Thr (NM_001354689.3, NM_001354690.3); c.398T>C, p.Met133Thr (NM_001354691.3, NM_001354692.3, NM_001354694.3); c.339-1951T>C (NM_001354695.3); c.582-1951T>C (NM_001354693.3); short protein forms M214T, M133T.
Identifiers: ClinVar variation 2450192 (VCV002450192.4), dbSNP rs995473632, ClinGen allele CA69620923.
Genomic context (GRCh38, chr3:12,606,240, plus strand): 5'-AAGCTATAGGTAAAAAATTACCTAACAGGCATCCTGGAAACAGACTCTCGCATACGACGC[A>G]TAGTCAAAGAAGGTAGTGCTGGGACTCCACTATCACCAATAGTGGAATTTGGAAACAATC-3'
Protein context (NP_002871.1, residues 204-224): SGVPALPSLT[Met214Thr]RRMRESVSRM

ClinVar aggregate classification (germline): Conflicting classifications of pathogenicity. Review status: criteria provided, conflicting classifications (1 of 4 stars). 2 submissions from 2 submitters: Uncertain significance (1); Likely benign (1). Last evaluated 2026-01-14.

Conditions:
RASopathy. Also called: rasopathies; Noonan spectrum disorder. Identifiers: Orphanet 536391, MedGen C5555857, MONDO:0021060.
Cardiovascular phenotype. Identifiers: MedGen CN230736.

Allele frequency attached by ClinVar (database versions not stated): gnomAD exomes below 0.00001; TOPMed 0.00001.
gnomAD v4.1: 3 of 1,614,140 alleles (0.00019%); highest among the groups gnomAD compares: African/African-American, 0.0027%; no homozygotes.

Submissions (2):

Labcorp Genetics (formerly Invitae), Labcorp
Classification: Likely benign for RASopathy. Last evaluated: 2026-01-14. Review status: criteria provided, single submitter. Criteria: Invitae Variant Classification Sherloc (09022015). Collection method: clinical testing. Allele origin: germline.

Ambry Genetics
Classification: Uncertain significance for Cardiovascular phenotype. Last evaluated: 2025-02-05. Review status: criteria provided, single submitter. Criteria: Ambry Variant Classification Scheme 2023. Collection method: clinical testing. Allele origin: germline.
Comment: The p.M214T variant (also known as c.641T>C), located in coding exon 5 of the RAF1 gene, results from a T to C substitution at nucleotide position 641. The methionine at codon 214 is replaced by threonine, an amino acid with similar properties. This amino acid position is conserved. In addition, this alteration is predicted to be tolerated by in silico analysis. Since supporting evidence is limited at this time, the clinical significance of this alteration remains unclear.